The following is an entry in ClinVar:

NM_000136.3(FANCC):c.429A>G (p.Ile143Met)

Gene: FANCC (FA complementation group C; minus strand). Cytogenetic location: 9q22.32.
Variant type: single nucleotide variant.
Coding change: c.429A>G on transcript NM_000136.3 (MANE Select); coding-DNA position 429, A replaced by G.
Protein change: p.Ile143Met; replaces isoleucine 143 with methionine.
Molecular consequence: missense variant.
Genome position (GRCh38, 1-based): chr9:95,172,064, T>C on the plus strand (A>G on the coding strand, the complement: FANCC is on the minus strand). VCF-style: chr9-95172064-T-C. GRCh37 (hg19) VCF-style: chr9-97934346-T-C.
Other names: c.429A>G, p.Ile143Met (NM_001243743.2, NM_001243744.2); short protein forms I143M.
Identifiers: ClinVar variation 2446649 (VCV002446649.1), dbSNP rs759978888, ClinGen allele CA5137749.

ClinVar aggregate classification (germline): Uncertain significance (1 of 4 stars; one submission).

Allele frequency attached by ClinVar (database versions not stated): ExAC 0.00001.

Submission:

GeneDx
Classification: Uncertain significance. Last evaluated: 2022-09-29. Review status: criteria provided, single submitter. Criteria: GeneDx Variant Classification Process June 2021. Collection method: clinical testing. Allele origin: germline. Affected: yes.
Comment: Not observed at significant frequency in large population cohorts (gnomAD); In silico analysis supports that this missense variant does not alter protein structure/function; Has not been previously published as pathogenic or benign to our knowledge; This variant is associated with the following publications: (PMID: Gordon2000[Book])